The following is an entry in ClinVar:

ClinVar aggregate classification (germline): Uncertain significance (1 of 4 stars; one submission).

Conditions:
Pierson syndrome. Also called: MICROCORIA-CONGENITAL NEPHROTIC SYNDROME. Identifiers: Orphanet 2670, MedGen C1836876, MONDO:0012184, OMIM 609049.
LAMB2-related infantile-onset nephrotic syndrome. Also called: NEPHROTIC SYNDROME, TYPE 5, WITHOUT OCULAR ABNORMALITIES; NEPHROTIC SYNDROME, TYPE 5, WITH OCULAR ABNORMALITIES; Nephrotic Syndrome, type 5. Identifiers: Orphanet 306507, MedGen C3280113, MONDO:0013621, OMIM 614199.

Submission:

Labcorp Genetics (formerly Invitae), Labcorp
Classification: Uncertain significance for LAMB2-related infantile-onset nephrotic syndrome; Pierson syndrome. Last evaluated: 2025-05-13. Review status: criteria provided, single submitter. Criteria: Invitae Variant Classification Sherloc (09022015). Collection method: clinical testing. Allele origin: germline.
Comment: This sequence change replaces cysteine, which is neutral and slightly polar, with arginine, which is basic and polar, at codon 1038 of the LAMB2 protein (p.Cys1038Arg). This variant is present in population databases (rs200802954, gnomAD 0.007%). This variant has not been reported in the literature in individuals affected with LAMB2-related conditions. An algorithm developed to predict the effect of missense changes on protein structure and function (PolyPhen-2) suggests that this variant is likely to be disruptive. In summary, the available evidence is currently insufficient to determine the role of this variant in disease. Therefore, it has been classified as a Variant of Uncertain Significance.

NM_002292.4(LAMB2):c.3112T>C (p.Cys1038Arg)

Gene: LAMB2 (laminin subunit beta 2; minus strand). Cytogenetic location: 3p21.31.
Variant type: single nucleotide variant.
Coding change: c.3112T>C on transcript NM_002292.4 (MANE Select); coding-DNA position 3112, T replaced by C.
Protein change: p.Cys1038Arg; replaces cysteine 1038 with arginine.
Molecular consequence: missense variant.
Genome position (GRCh38, 1-based): chr3:49,124,610, A>G on the plus strand (T>C on the coding strand, the complement: LAMB2 is on the minus strand). VCF-style: chr3-49124610-A-G. GRCh37 (hg19) VCF-style: chr3-49162043-A-G.
Other names: short protein forms C1038R.
Identifiers: ClinVar variation 4782863 (VCV004782863.1).